The following is an entry in ClinVar:

NM_001378789.1(CERS3):c.903C>T (p.Tyr301=)

Gene: CERS3 (ceramide synthase 3; minus strand). Cytogenetic location: 15q26.3.
Variant type: single nucleotide variant.
Coding change: c.903C>T on transcript NM_001378789.1 (MANE Select); coding-DNA position 903, C replaced by T.
Protein change: p.Tyr301=; no amino-acid change (tyrosine 301 retained).
Molecular consequence: synonymous variant.
Genome position (GRCh38, 1-based): chr15:100,455,989, G>A on the plus strand (C>T on the coding strand, the complement: CERS3 is on the minus strand). VCF-style: chr15-100455989-G-A. GRCh37 (hg19) VCF-style: chr15-100996194-G-A.
Other names: c.936C>T, p.Tyr312= (NM_001290341.2); c.903C>T, p.Tyr301= (NM_001290342.2, NM_001290343.2, NM_178842.5).
Identifiers: ClinVar variation 731120 (VCV000731120.12), dbSNP rs139946861, ClinGen allele CA7758881.

ClinVar aggregate classification (germline): Benign. Review status: criteria provided, multiple submitters, no conflicts (2 of 4 stars). 3 submissions from 3 submitters: Benign (2). 1 of the submissions does not count toward it. Last evaluated 2026-01-28.

Conditions:
CERS3-related disorder. Also called: CERS3-related condition.

Allele frequency attached by ClinVar (database versions not stated): gnomAD exomes 0.00016 and 0.00045; ExAC 0.00056; ESP Exome Variant Server 0.00169; gnomAD 0.00183 and 0.00194; 1000 Genomes Project 0.00200; 1000 Genomes Project 30x 0.00203; TOPMed 0.00247.
gnomAD v4.1: 525 of 1,613,120 alleles (0.033%); highest among the groups gnomAD compares: African/African-American, 0.58%; 3 homozygotes.

Submissions (3):

Labcorp Genetics (formerly Invitae), Labcorp
Classification: Benign. Last evaluated: 2026-01-28. Review status: criteria provided, single submitter. Criteria: Invitae Variant Classification Sherloc (09022015). Collection method: clinical testing. Allele origin: germline.

Breakthrough Genomics
Classification: Benign. Review status: criteria provided, single submitter. Criteria: ACMG Guidelines, 2015. Collection method: not provided. Allele origin: germline. Inheritance: Autosomal recessive inheritance. Affected: yes.

PreventionGenetics, part of Exact Sciences
Classification: Likely benign for CERS3-related condition. Last evaluated: 2020-01-02. Review status: no assertion criteria provided. Collection method: clinical testing. Allele origin: germline. Not counted in ClinVar's aggregate classification.
Comment: This variant is classified as likely benign based on ACMG/AMP sequence variant interpretation guidelines (Richards et al. 2015 PMID: 25741868, with internal and published modifications).